The following is an entry in ClinVar:

ClinVar aggregate classification (germline): Uncertain significance. Review status: criteria provided, multiple submitters, no conflicts (2 of 4 stars). 2 submissions from 2 submitters: Uncertain significance (2). Last evaluated 2025-03-26.

Conditions:
Catecholaminergic polymorphic ventricular tachycardia 1. Also called: VENTRICULAR TACHYCARDIA, CATECHOLAMINERGIC POLYMORPHIC, 1, WITH OR WITHOUT ATRIAL DYSFUNCTION AND/OR DILATED CARDIOMYOPATHY; VENTRICULAR TACHYCARDIA, STRESS-INDUCED POLYMORPHIC 1; RYR2-Related Catecholaminergic Polymorphic Ventricular Tachycardia. Identifiers: Orphanet 3286, MedGen C1631597, MONDO:0011484, OMIM 604772.

Submissions (2):

Labcorp Genetics (formerly Invitae), Labcorp
Classification: Uncertain significance for Catecholaminergic polymorphic ventricular tachycardia 1. Last evaluated: 2025-03-26. Review status: criteria provided, single submitter. Criteria: Invitae Variant Classification Sherloc (09022015). Collection method: clinical testing. Allele origin: germline.
Comment: This sequence change replaces serine, which is neutral and polar, with threonine, which is neutral and polar, at codon 404 of the RYR2 protein (p.Ser404Thr). This variant is not present in population databases (gnomAD no frequency). This variant has not been reported in the literature in individuals affected with RYR2-related conditions. ClinVar contains an entry for this variant (Variation ID: 3380781). Invitae Evidence Modeling of protein sequence and biophysical properties (such as structural, functional, and spatial information, amino acid conservation, physicochemical variation, residue mobility, and thermodynamic stability) indicates that this missense variant is not expected to disrupt RYR2 protein function with a negative predictive value of 95%. In summary, the available evidence is currently insufficient to determine the role of this variant in disease. Therefore, it has been classified as a Variant of Uncertain Significance.

Mayo Clinic Laboratories, Mayo Clinic
Classification: Uncertain significance. Last evaluated: 2023-09-21. Review status: criteria provided, single submitter. Criteria: ACMG Guidelines, 2015. Collection method: clinical testing. Allele origin: germline. Observed: 1 variant allele.
Comment: PP2, PM2

NM_001035.3(RYR2):c.1211G>C (p.Ser404Thr)

Gene: RYR2 (ryanodine receptor 2; plus strand). Cytogenetic location: 1q43.
Variant type: single nucleotide variant.
Coding change: c.1211G>C on transcript NM_001035.3 (MANE Select); coding-DNA position 1211, G replaced by C.
Protein change: p.Ser404Thr; replaces serine 404 with threonine.
Molecular consequence: missense variant.
Genome position (GRCh38, 1-based): chr1:237,445,441, G>C. VCF-style: chr1-237445441-G-C. GRCh37 (hg19) VCF-style: chr1-237608741-G-C.
Other names: p.Ser404Thr; short protein forms S404T.
Identifiers: ClinVar variation 3380781 (VCV003380781.2).